The following is an entry in ClinVar:

NM_016938.5(EFEMP2):c.946G>A (p.Val316Met)

Gene: EFEMP2 (EGF containing fibulin extracellular matrix protein 2; minus strand). Cytogenetic location: 11q13.1.
Variant type: single nucleotide variant.
Coding change: c.946G>A on transcript NM_016938.5 (MANE Select); coding-DNA position 946, G replaced by A.
Protein change: p.Val316Met; replaces valine 316 with methionine.
Molecular consequence: missense variant. On other transcripts: non-coding transcript variant (1).
Genome position (GRCh38, 1-based): chr11:65,868,323, C>T on the plus strand (G>A on the coding strand, the complement: EFEMP2 is on the minus strand). VCF-style: chr11-65868323-C-T. GRCh37 (hg19) VCF-style: chr11-65635794-C-T.
Other names: short protein forms V316M.
Identifiers: ClinVar variation 3226940 (VCV003226940.1), dbSNP rs113167523, ClinGen allele CA6110473.

ClinVar aggregate classification (germline): Uncertain significance (1 of 4 stars; one submission).

Conditions:
Cardiovascular phenotype. Identifiers: MedGen CN230736.

Submission:

Ambry Genetics
Classification: Uncertain significance for Cardiovascular phenotype. Last evaluated: 2024-01-01. Review status: criteria provided, single submitter. Criteria: Ambry Variant Classification Scheme 2023. Collection method: clinical testing. Allele origin: germline.
Comment: The p.V316M variant (also known as c.946G>A), located in coding exon 8 of the EFEMP2 gene, results from a G to A substitution at nucleotide position 946. The valine at codon 316 is replaced by methionine, an amino acid with highly similar properties. This amino acid position is conserved. In addition, this alteration is predicted to be tolerated by in silico analysis. Since supporting evidence is limited at this time, the clinical significance of this alteration remains unclear.